The following is an entry in ClinVar:

ClinVar aggregate classification (germline): Uncertain significance (1 of 4 stars; one submission).

Submission:

Labcorp Genetics (formerly Invitae), Labcorp
Classification: Uncertain significance. Last evaluated: 2022-05-17. Review status: criteria provided, single submitter. Criteria: Invitae Variant Classification Sherloc (09022015). Collection method: clinical testing. Allele origin: germline.
Comment: Advanced modeling of protein sequence and biophysical properties (such as structural, functional, and spatial information, amino acid conservation, physicochemical variation, residue mobility, and thermodynamic stability) performed at Invitae indicates that this missense variant is not expected to disrupt SERPING1 protein function. In summary, the available evidence is currently insufficient to determine the role of this variant in disease. Therefore, it has been classified as a Variant of Uncertain Significance. This variant has not been reported in the literature in individuals affected with SERPING1-related conditions. This variant is not present in population databases (gnomAD no frequency). This sequence change replaces alanine, which is neutral and non-polar, with glycine, which is neutral and non-polar, at codon 140 of the SERPING1 protein (p.Ala140Gly).

NM_000062.3(SERPING1):c.419C>G (p.Ala140Gly)

Gene: SERPING1 (serpin family G member 1; plus strand). Cytogenetic location: 11q12.1.
Variant type: single nucleotide variant.
Coding change: c.419C>G on transcript NM_000062.3 (MANE Select); coding-DNA position 419, C replaced by G.
Protein change: p.Ala140Gly; replaces alanine 140 with glycine.
Molecular consequence: missense variant.
Genome position (GRCh38, 1-based): chr11:57,600,246, C>G. VCF-style: chr11-57600246-C-G. GRCh37 (hg19) VCF-style: chr11-57367719-C-G.
Other names: c.419C>G, p.Ala140Gly (NM_001032295.2); short protein forms A140G.
Identifiers: ClinVar variation 1962295 (VCV001962295.5), dbSNP rs2495426473, ClinGen allele CA380695327.